The following is an entry in ClinVar:

ClinVar aggregate classification (germline): Uncertain significance (1 of 4 stars; one submission).

Submission:

Labcorp Genetics (formerly Invitae), Labcorp
Classification: Uncertain significance. Last evaluated: 2025-08-24. Review status: criteria provided, single submitter. Criteria: Invitae Variant Classification Sherloc (09022015). Collection method: clinical testing. Allele origin: germline.
Comment: This sequence change replaces methionine, which is neutral and non-polar, with leucine, which is neutral and non-polar, at codon 502 of the ALPK3 protein (p.Met502Leu). This variant is not present in population databases (gnomAD no frequency). This variant has not been reported in the literature in individuals affected with ALPK3-related conditions. Invitae Evidence Modeling of protein sequence and biophysical properties (such as structural, functional, and spatial information, amino acid conservation, physicochemical variation, residue mobility, and thermodynamic stability) indicates that this missense variant is expected to disrupt ALPK3 protein function with a positive predictive value of 80%. In summary, the available evidence is currently insufficient to determine the role of this variant in disease. Therefore, it has been classified as a Variant of Uncertain Significance.

NM_020778.5(ALPK3):c.898A>C (p.Met300Leu)

Gene: ALPK3 (alpha kinase 3; plus strand). Cytogenetic location: 15q25.3.
Variant type: single nucleotide variant.
Coding change: c.898A>C on transcript NM_020778.5 (MANE Select); coding-DNA position 898, A replaced by C.
Protein change: p.Met300Leu; replaces methionine 300 with leucine.
Molecular consequence: missense variant.
Genome position (GRCh38, 1-based): chr15:84,840,177, A>C. VCF-style: chr15-84840177-A-C. GRCh37 (hg19) VCF-style: chr15-85383408-A-C.
Other names: short protein forms M300L.
Identifiers: ClinVar variation 4746449 (VCV004746449.1).